The following is an entry in ClinVar:

ClinVar aggregate classification (germline): Conflicting classifications of pathogenicity. Review status: criteria provided, conflicting classifications (1 of 4 stars). 5 submissions from 5 submitters: Likely pathogenic (1); Uncertain significance (4). Last evaluated 2026-08-03.

Conditions:
Low phospholipid associated cholelithiasis (GBD1). Also called: Gallbladder disease 1; Gallstone cholecystitis. Identifiers: Orphanet 69663, MedGen C2609268, MONDO:0010939, OMIM 600803.
Cholestasis, intrahepatic, of pregnancy, 3. Identifiers: Orphanet 69665, MedGen C3554241, MONDO:0013995, OMIM 614972.

Allele frequency attached by ClinVar (database versions not stated): ExAC 0.00030; 1000 Genomes Project 0.00080; 1000 Genomes Project 30x 0.00094.
gnomAD v4.1: 123 of 1,614,150 alleles (0.0076%); highest among the groups gnomAD compares: South Asian, 0.13%; 1 homozygote.

Submissions (5):

Genelabs Medical  (pvt) Ltd
Classification: Likely pathogenic for Cholestasis, intrahepatic, of pregnancy, 3. Last evaluated: 2026-08-03. Review status: criteria provided, single submitter. Criteria: ACMG Guidelines, 2015. Collection method: clinical testing. Allele origin: germline. Inheritance: Autosomal recessive inheritance. Affected: no. Observed: 1 heterozygote.
Comment: The missense variant NM_000443.4(ABCB4):c.808G>C (p.Gly270Arg) is rare in population databases, observed in gnomAD in 115/91,078 alleles (allele frequency 0.001263) in the South Asian population. This nucleotide change results in a missense change at codon 270 of the ABCB4 gene. The ABCB4 gene demonstrates missense constraint, with a missense Z-score of 3.56 and 37 pathogenic/likely pathogenic versus 8 benign/likely benign missense variants reported. Another nucleotide substitution affecting the same codon, c.808G>A, has been classified as Likely Pathogenic, supporting the functional importance of this residue. In silico prediction using REVEL yielded a score of 0.785, supporting a deleterious effect on protein function. However, this variant has also been observed in the homozygous state in one individual from population databases. Based on the cumulative evidence, this variant is classified as Likely Pathogenic. (PS1_Moderate, PM2_Supporting, PP2, PP3_Supporting)

Genomenon, Inc
Classification: Uncertain significance for Low phospholipid associated cholelithiasis. Last evaluated: 2026-04-14. Review status: criteria provided, single submitter. Criteria: Genomenon Sequence Variant Interpretation Standards - Updated. Collection method: curation. Allele origin: germline. Affected: yes.
Comment: ABCB4 p.Gly270Arg (c.808G>C) is a missense variant that changes the amino acid at residue 270 from Glycine to Arginine. This variant has been observed in at least one proband with an ABCB4-related disorder (PMID:32893960). In silico models predict that this variant is possibly or probably damaging. In conclusion, we classify ABCB4 p.Gly270Arg (c.808G>C) as a variant of uncertain significance.

Blueprint Genetics
Classification: Uncertain significance. Last evaluated: 2024-08-17. Review status: criteria provided, single submitter. Criteria: ACMG Guidelines, 2015. Collection method: clinical testing. Allele origin: germline.

Women's Health and Genetics/Laboratory Corporation of America, LabCorp
Classification: Uncertain significance. Last evaluated: 2023-08-03. Review status: criteria provided, single submitter. Criteria: LabCorp Variant Classification Summary - May 2015. Collection method: clinical testing. Allele origin: germline.
Comment: Variant summary: ABCB4 c.808G>C (p.Gly270Arg) results in a non-conservative amino acid change located in the ABC transporter type 1, transmembrane domain (IPR011527) of the encoded protein sequence. Five of five in-silico tools predict a damaging effect of the variant on protein function. The variant allele was found at a frequency of 0.00023 in 251248 control chromosomes. This frequency is not significantly higher than estimated for a pathogenic variant in ABCB4 causing Familial Intrahepatic Cholestasis (0.00023 vs 0.0022), allowing no conclusion about variant significance. c.808G>C has been reported at a compound heterozygous state along with an apparently VUS variant in an individual affected with features of Familial Intrahepatic Cholestasis (example: de Vries_2020). These report(s) do not provide unequivocal conclusions about association of the variant with Familial Intrahepatic Cholestasis. To our knowledge, no experimental evidence demonstrating an impact on protein function has been reported. In addition, a different nuclelotide change, c.808G>A, still resulting in p.Gly270Arg has been reported in the literature in at-least two homozygous individuals affected with Progressive Familial Intrahepatic Cholestasis Type 3. The following publication has been ascertained in the context of this evaluation (PMID: 32893960). One submitter has cited clinical-significance assessments for this variant to ClinVar after 2014 and has classified the variant as uncertain significance. Based on the evidence outlined above, the variant was classified as uncertain significance.

Eurofins Ntd Llc (ga)
Classification: Uncertain significance. Last evaluated: 2017-06-22. Review status: criteria provided, single submitter. Criteria: EGL Classification Definitions 2015. Collection method: clinical testing. Allele origin: germline. Observed: 1 variant allele, 1 heterozygote.

Literature cited by the submitters: PubMed 32893960 (cited by Genomenon, Inc and Women's Health and Genetics/Laboratory Corporation of America, LabCorp).

NM_000443.4(ABCB4):c.808G>C (p.Gly270Arg)

Gene: ABCB4 (ATP binding cassette subfamily B member 4; minus strand). Cytogenetic location: 7q21.12.
Variant type: single nucleotide variant.
Coding change: c.808G>C on transcript NM_000443.4 (MANE Select); coding-DNA position 808, G replaced by C.
Protein change: p.Gly270Arg; replaces glycine 270 with arginine.
Molecular consequence: missense variant.
Genome position (GRCh38, 1-based): chr7:87,449,993, C>G on the plus strand (G>C on the coding strand, the complement: ABCB4 is on the minus strand). VCF-style: chr7-87449993-C-G. GRCh37 (hg19) VCF-style: chr7-87079309-C-G.
Other names: c.808G>C, p.Gly270Arg (NM_018849.3, NM_018850.3); c.808G>C (NM_000443.3); short protein forms G270R.
Identifiers: ClinVar variation 502700 (VCV000502700.9), dbSNP rs551234479, ClinGen allele CA4327455.